The following is an entry in ClinVar:

NM_138694.4(PKHD1):c.8023T>A (p.Ser2675Thr)

Gene: PKHD1 (PKHD1 ciliary IPT domain containing fibrocystin/polyductin; minus strand). Cytogenetic location: 6p12.2.
Variant type: single nucleotide variant.
Coding change: c.8023T>A on transcript NM_138694.4 (MANE Select); coding-DNA position 8023, T replaced by A.
Protein change: p.Ser2675Thr; replaces serine 2675 with threonine.
Molecular consequence: missense variant.
Genome position (GRCh38, 1-based): chr6:51,847,859, A>T on the plus strand (T>A on the coding strand, the complement: PKHD1 is on the minus strand). VCF-style: chr6-51847859-A-T. GRCh37 (hg19) VCF-style: chr6-51712657-A-T.
Other names: c.8023T>A, p.Ser2675Thr (NM_170724.3); short protein forms S2675T.
Identifiers: ClinVar variation 2966884 (VCV002966884.3), dbSNP rs752101760, ClinGen allele CA3851767.

ClinVar aggregate classification (germline): Uncertain significance (1 of 4 stars; one submission).

Conditions:
Autosomal recessive polycystic kidney disease (ARPKD). Also called: AR polycystic kidney disease. Identifiers: Orphanet 731, Orphanet 8378, MedGen C0085548, MeSH D017044, MONDO:0009889.

Allele frequency attached by ClinVar (database versions not stated): gnomAD exomes below 0.00001; ExAC 0.00001.
gnomAD v4.1: 1 of 1,614,048 alleles (0.000062%); highest among the groups gnomAD compares: Admixed American, 0.0017%; no homozygotes.

Submission:

Labcorp Genetics (formerly Invitae), Labcorp
Classification: Uncertain significance for Autosomal recessive polycystic kidney disease. Last evaluated: 2023-07-22. Review status: criteria provided, single submitter. Criteria: Invitae Variant Classification Sherloc (09022015). Collection method: clinical testing. Allele origin: germline.
Comment: In summary, the available evidence is currently insufficient to determine the role of this variant in disease. Therefore, it has been classified as a Variant of Uncertain Significance. Algorithms developed to predict the effect of sequence changes on RNA splicing suggest that this variant may disrupt the consensus splice site. Advanced modeling of protein sequence and biophysical properties (such as structural, functional, and spatial information, amino acid conservation, physicochemical variation, residue mobility, and thermodynamic stability) performed at Invitae indicates that this missense variant is not expected to disrupt PKHD1 protein function. This variant has not been reported in the literature in individuals affected with PKHD1-related conditions. This variant is present in population databases (rs752101760, gnomAD 0.003%). This sequence change replaces serine, which is neutral and polar, with threonine, which is neutral and polar, at codon 2675 of the PKHD1 protein (p.Ser2675Thr).